The following is an entry in ClinVar:

ClinVar aggregate classification (germline): Uncertain significance. Review status: criteria provided, multiple submitters, no conflicts (2 of 4 stars). 2 submissions from 2 submitters: Uncertain significance (2). Last evaluated 2025-08-06.

Conditions:
Cardiovascular phenotype. Identifiers: MedGen CN230736.
Long QT syndrome (LQTS). Identifiers: MedGen C0023976, MeSH D008133, MONDO:0002442. Disease mechanism: loss of function. Inheritance: Various modes of inheritance.

Allele frequency attached by ClinVar (database versions not stated): ExAC 0.00002; TOPMed 0.00003; gnomAD 0.00004; gnomAD exomes 0.00015.
gnomAD v4.1: 223 of 1,613,284 alleles (0.014%); highest among the groups gnomAD compares: Non-Finnish European, 0.018%; no homozygotes.

Submissions (2):

Labcorp Genetics (formerly Invitae), Labcorp
Classification: Uncertain significance for Long QT syndrome. Last evaluated: 2025-08-06. Review status: criteria provided, single submitter. Criteria: Invitae Variant Classification Sherloc (09022015). Collection method: clinical testing. Allele origin: germline.
Comment: This sequence change replaces methionine, which is neutral and non-polar, with threonine, which is neutral and polar, at codon 614 of the AKAP9 protein (p.Met614Thr). This variant is present in population databases (rs762780139, gnomAD 0.003%). This variant has not been reported in the literature in individuals affected with AKAP9-related conditions. ClinVar contains an entry for this variant (Variation ID: 1781173). An algorithm developed to predict the effect of missense changes on protein structure and function (PolyPhen-2) suggests that this variant is likely to be disruptive. In summary, the available evidence is currently insufficient to determine the role of this variant in disease. Therefore, it has been classified as a Variant of Uncertain Significance.

Ambry Genetics
Classification: Uncertain significance for Cardiovascular phenotype. Last evaluated: 2024-04-01. Review status: criteria provided, single submitter. Criteria: Ambry Variant Classification Scheme 2023. Collection method: clinical testing. Allele origin: germline.
Comment: The p.M614T variant (also known as c.1841T>C), located in coding exon 8 of the AKAP9 gene, results from a T to C substitution at nucleotide position 1841. The methionine at codon 614 is replaced by threonine, an amino acid with similar properties. This amino acid position is conserved. In addition, the in silico prediction for this alteration is inconclusive. Since supporting evidence is limited at this time, the clinical significance of this alteration remains unclear.

NM_005751.5(AKAP9):c.1841T>C (p.Met614Thr)

Gene: AKAP9 (A-kinase anchoring protein 9; plus strand). Cytogenetic location: 7q21.2.
Variant type: single nucleotide variant.
Coding change: c.1841T>C on transcript NM_005751.5 (MANE Select); coding-DNA position 1841, T replaced by C.
Protein change: p.Met614Thr; replaces methionine 614 with threonine.
Molecular consequence: missense variant.
Genome position (GRCh38, 1-based): chr7:92,001,758, T>C. VCF-style: chr7-92001758-T-C. GRCh37 (hg19) VCF-style: chr7-91631072-T-C.
Other names: c.1841T>C, p.Met614Thr (NM_147185.3); short protein forms M614T.
Identifiers: ClinVar variation 1781173 (VCV001781173.8), dbSNP rs762780139, ClinGen allele CA4336062.